The following is an entry in ClinVar:

ClinVar aggregate classification (germline): Pathogenic (1 of 4 stars; one submission).

Conditions:
Polycystic kidney disease, adult type (PKD1). Also called: Polycystic Kidney Disease 1, Autosomal Dominant; Polycystic kidney disease 1; Polycystic kidney disease 1, severe; Polycystic Kidney, Autosomal Dominant; POLYCYSTIC KIDNEY DISEASE 1 WITH OR WITHOUT POLYCYSTIC LIVER DISEASE; POLYCYSTIC KIDNEY DISEASE, ADULT, TYPE I. Identifiers: MedGen C3149841, MONDO:0008263, OMIM 173900.

Submission:

Victorian Clinical Genetics Services, Murdoch Childrens Research Institute
Classification: Pathogenic for Polycystic kidney disease, adult type. Last evaluated: 2023-07-16. Review status: criteria provided, single submitter. Criteria: ACMG Guidelines, 2015. Collection method: clinical testing. Allele origin: germline. Inheritance: Autosomal dominant inheritance. Affected: yes.
Comment: Based on the classification scheme VCGS_Germline_v1.3.4, this variant is classified as Pathogenic. Following criteria are met: 0102 - Loss of function is a known mechanism of disease in this gene and is associated with polycystic kidney disease 1 (MIM#173900). (I) 0107 - This gene is associated with autosomal dominant disease. Polycystic kidney disease 1 (MIM#173900) is predominantly caused by monoallelic variants, with rare reports of biallelic variants causing disease (OMIM). (I) 0201 - Variant is predicted to cause nonsense-mediated decay (NMD) and loss of protein (premature termination codon is located at least 54 nucleotides upstream of the final exon-exon junction). (SP) 0251 - This variant is heterozygous. (I) 0301 - Variant is absent from gnomAD (both v2 and v3). (SP) 0701 - Other NMD predicted variants comparable to the one identified in this case have very strong previous evidence for pathogenicity (ClinVar). (SP) 0807 - This variant has no previous evidence of pathogenicity. (I) 0905 - No published segregation evidence has been identified for this variant. (I) 1007 - No published functional evidence has been identified for this variant. (I) 1208 - Inheritance information for this variant is not currently available in this individual. (I) Legend: (SP) - Supporting pathogenic, (I) - Information, (SB) - Supporting benign

NM_001009944.3(PKD1):c.4105dup (p.His1369fs)

Gene: PKD1 (polycystin 1, transient receptor potential channel interacting; minus strand). Cytogenetic location: 16p13.3.
Variant type: Duplication.
Coding change: c.4105dup on transcript NM_001009944.3 (MANE Select); coding-DNA position 4105, one base duplicated (C; older notation c.4105dupC).
Protein change: p.His1369fs; shifts the reading frame from histidine 1369.
Molecular consequence: frameshift variant.
Genome position (GRCh38, 1-based): chr16:2,111,062, G duplicated on the plus strand (C on the coding strand, the reverse complement: PKD1 is on the minus strand). VCF-style (leftmost placement, unchanged base first): chr16-2111061-T-TG. GRCh37 (hg19) VCF-style: chr16-2161062-T-TG.
Other names: c.4105dupC (NM_001009944.2); c.4105dup, p.His1369fs (NM_000296.4); short protein forms H1369fs.
Identifiers: ClinVar variation 1805891 (VCV001805891.2), dbSNP rs2544824948, ClinGen allele CA2573320527.